The following is an entry in ClinVar:

NM_198578.4(LRRK2):c.3431T>C (p.Leu1144Pro)

Gene: LRRK2 (leucine rich repeat kinase 2; plus strand). Cytogenetic location: 12q12.
Variant type: single nucleotide variant.
Coding change: c.3431T>C on transcript NM_198578.4 (MANE Select); coding-DNA position 3431, T replaced by C.
Protein change: p.Leu1144Pro; replaces leucine 1144 with proline.
Molecular consequence: missense variant.
Genome position (GRCh38, 1-based): chr12:40,299,192, T>C. VCF-style: chr12-40299192-T-C. GRCh37 (hg19) VCF-style: chr12-40692994-T-C.
Other names: short protein forms L1144P.
Identifiers: ClinVar variation 1731384 (VCV001731384.2), dbSNP rs200204158, ClinGen allele CA384415779.
Genomic context (GRCh38, chr12:40,299,192, plus strand): 5'-CCCCCTTGAGACTGAAGGAACTGAAGATTTTAAACCTTAGTAAGAACCACATTTCATCCC[T>C]ATCAGAGAACTTTCTTGAGGCTTGTCCTAAAGTGGAGAGTTTCAGTGCCAGAATGAATTT-3'
Protein context (NP_940980.4, residues 1134-1154): LNLSKNHISS[Leu1144Pro]SENFLEACPK

ClinVar aggregate classification (germline): Uncertain significance (1 of 4 stars; one submission).

Conditions:
Inborn genetic diseases. Identifiers: MedGen C0950123, MeSH D030342.

Submission:

Ambry Genetics
Classification: Uncertain significance for Inborn genetic diseases. Last evaluated: 2022-10-12. Review status: criteria provided, single submitter. Criteria: Ambry Variant Classification Scheme 2023. Collection method: clinical testing. Allele origin: germline.
Comment: The p.L1144P variant (also known as c.3431T>C), located in coding exon 25 of the LRRK2 gene, results from a T to C substitution at nucleotide position 3431. The leucine at codon 1144 is replaced by proline, an amino acid with similar properties. This amino acid position is conserved. In addition, the in silico prediction for this alteration is inconclusive. Since supporting evidence is limited at this time, the clinical significance of this alteration remains unclear.